The following is an entry in ClinVar:

NM_030665.4(RAI1):c.3207C>T (p.Pro1069=)

Gene: RAI1 (retinoic acid induced 1; plus strand). Cytogenetic location: 17p11.2.
Variant type: single nucleotide variant.
Coding change: c.3207C>T on transcript NM_030665.4 (MANE Select); coding-DNA position 3207, C replaced by T.
Protein change: p.Pro1069=; no amino-acid change (proline 1069 retained).
Molecular consequence: synonymous variant.
Genome position (GRCh38, 1-based): chr17:17,796,155, C>T. VCF-style: chr17-17796155-C-T. GRCh37 (hg19) VCF-style: chr17-17699469-C-T.
Other names: c.3207C>T (NM_030665.3).
Identifiers: ClinVar variation 1617710 (VCV001617710.10), dbSNP rs760373764, ClinGen allele CA8418685.

ClinVar aggregate classification (germline): Likely benign. Review status: criteria provided, multiple submitters, no conflicts (2 of 4 stars). 3 submissions from 3 submitters: Likely benign (2). 1 of the submissions does not count toward it. Last evaluated 2025-12-30.

Conditions:
RAI1-related disorder. Also called: RAI1-related condition.

Allele frequency attached by ClinVar (database versions not stated): TOPMed 0.00002; gnomAD 0.00003 and 0.00004; ExAC 0.00006.
gnomAD v4.1: 27 of 1,565,160 alleles (0.0017%); highest among the groups gnomAD compares: African/African-American, 0.0068%; 1 homozygote.

Submissions (3):

Labcorp Genetics (formerly Invitae), Labcorp
Classification: Likely benign. Last evaluated: 2025-12-30. Review status: criteria provided, single submitter. Criteria: Invitae Variant Classification Sherloc (09022015). Collection method: clinical testing. Allele origin: germline.

Blueprint Genetics
Classification: Likely benign. Last evaluated: 2022-12-14. Review status: criteria provided, single submitter. Criteria: ACMG Guidelines, 2015. Collection method: clinical testing. Allele origin: germline.

PreventionGenetics, part of Exact Sciences
Classification: Likely benign for RAI1-related condition. Last evaluated: 2024-04-30. Review status: no assertion criteria provided. Collection method: clinical testing. Allele origin: germline. Not counted in ClinVar's aggregate classification.
Comment: This variant is classified as likely benign based on ACMG/AMP sequence variant interpretation guidelines (Richards et al. 2015 PMID: 25741868, with internal and published modifications).